The following is an entry in ClinVar:

NM_014946.4(SPAST):c.1413+2T>C

Gene: SPAST (spastin; plus strand). Cytogenetic location: 2p22.3.
Variant type: single nucleotide variant.
Coding change: c.1413+2T>C on transcript NM_014946.4 (MANE Select); the canonical splice donor site of the intron after coding-DNA position 1413, T replaced by C.
Molecular consequence: splice donor variant.
Genome position (GRCh38, 1-based): chr2:32,136,970, T>C. VCF-style: chr2-32136970-T-C. GRCh37 (hg19) VCF-style: chr2-32362039-T-C.
Other names: c.1317+2T>C (NM_199436.2, NM_001377959.1); c.1410+2T>C (NM_001363823.2); c.1314+2T>C (NM_001363875.2).
Identifiers: ClinVar variation 3389875 (VCV003389875.14).
Genomic context (GRCh38, chr2:32,136,970, plus strand): 5'-AAGGGGAGCACGATGCTAGTAGACGCCTAAAAACTGAATTTCTAATAGAATTTGATGGTG[T>C]AAGTGTTGATTATGATATTTTTAATGTGGCAGCATTTTAGTATATTTTCCTATTAAATGG-3'

ClinVar aggregate classification (germline): Pathogenic (1 of 4 stars; one submission).

Submission:

CeGaT Center for Human Genetics Tuebingen
Classification: Pathogenic. Last evaluated: 2024-10-01. Review status: criteria provided, single submitter. Criteria: CeGaT Center For Human Genetics Tuebingen Variant Classification Criteria Version 2. Collection method: clinical testing. Allele origin: germline. Affected: yes. Observed: 1 variant allele.
Comment: SPAST: PVS1, PM2